The following is an entry in ClinVar:

NM_001035.3(RYR2):c.14881C>G (p.Gln4961Glu)

Gene: RYR2 (ryanodine receptor 2; plus strand). Cytogenetic location: 1q43.
Variant type: single nucleotide variant.
Coding change: c.14881C>G on transcript NM_001035.3 (MANE Select); coding-DNA position 14881, C replaced by G.
Protein change: p.Gln4961Glu; replaces glutamine 4961 with glutamic acid.
Molecular consequence: missense variant.
Genome position (GRCh38, 1-based): chr1:237,832,624, C>G. VCF-style: chr1-237832624-C-G. GRCh37 (hg19) VCF-style: chr1-237995924-C-G.
Other names: short protein forms Q4961E.
Identifiers: ClinVar variation 2698119 (VCV002698119.3), dbSNP rs1574134528, ClinGen allele CA345411056.

ClinVar aggregate classification (germline): Uncertain significance (1 of 4 stars; one submission).

Conditions:
Catecholaminergic polymorphic ventricular tachycardia 1. Also called: VENTRICULAR TACHYCARDIA, CATECHOLAMINERGIC POLYMORPHIC, 1, WITH OR WITHOUT ATRIAL DYSFUNCTION AND/OR DILATED CARDIOMYOPATHY; VENTRICULAR TACHYCARDIA, STRESS-INDUCED POLYMORPHIC 1; RYR2-Related Catecholaminergic Polymorphic Ventricular Tachycardia. Identifiers: Orphanet 3286, MedGen C1631597, MONDO:0011484, OMIM 604772.

Submission:

Labcorp Genetics (formerly Invitae), Labcorp
Classification: Uncertain significance for Catecholaminergic polymorphic ventricular tachycardia 1. Last evaluated: 2023-11-22. Review status: criteria provided, single submitter. Criteria: Invitae Variant Classification Sherloc (09022015). Collection method: clinical testing. Allele origin: germline.
Comment: This sequence change replaces glutamine, which is neutral and polar, with glutamic acid, which is acidic and polar, at codon 4961 of the RYR2 protein (p.Gln4961Glu). This variant is not present in population databases (gnomAD no frequency). This variant has not been reported in the literature in individuals affected with RYR2-related conditions. Advanced modeling of protein sequence and biophysical properties (such as structural, functional, and spatial information, amino acid conservation, physicochemical variation, residue mobility, and thermodynamic stability) performed at Invitae indicates that this missense variant is expected to disrupt RYR2 protein function with a positive predictive value of 95%. In summary, the available evidence is currently insufficient to determine the role of this variant in disease. Therefore, it has been classified as a Variant of Uncertain Significance.